The following is an entry in ClinVar:

ClinVar aggregate classification (germline): Uncertain significance (1 of 4 stars; one submission).

Conditions:
Ellis-van Creveld syndrome (EVC). Also called: Chondroectodermal dysplasia; EVC-Related Ellis-van Creveld Syndrome; EVC2-Related Ellis-van Creveld Syndrome; MESOECTODERMAL DYSPLASIA. Identifiers: Orphanet 289, MedGen C0013903, MONDO:0009162, OMIM 225500.
Curry-Hall syndrome (WAD). Also called: WEYERS ACRODENTAL DYSOSTOSIS. Identifiers: Orphanet 952, MedGen C0457013, MONDO:0008673, OMIM 193530.

Submission:

Labcorp Genetics (formerly Invitae), Labcorp
Classification: Uncertain significance for Curry-Hall syndrome; Ellis-van Creveld syndrome. Last evaluated: 2023-10-03. Review status: criteria provided, single submitter. Criteria: Invitae Variant Classification Sherloc (09022015). Collection method: clinical testing. Allele origin: germline.
Comment: This sequence change replaces aspartic acid, which is acidic and polar, with tyrosine, which is neutral and polar, at codon 1202 of the EVC2 protein (p.Asp1202Tyr). This variant is not present in population databases (gnomAD no frequency). This variant has not been reported in the literature in individuals affected with EVC2-related conditions. ClinVar contains an entry for this variant (Variation ID: 1351388). An algorithm developed to predict the effect of missense changes on protein structure and function (PolyPhen-2) suggests that this variant is likely to be disruptive. In summary, the available evidence is currently insufficient to determine the role of this variant in disease. Therefore, it has been classified as a Variant of Uncertain Significance.

NM_147127.5(EVC2):c.3604G>T (p.Asp1202Tyr)

Gene: EVC2 (EvC ciliary complex subunit 2; minus strand). Cytogenetic location: 4p16.2.
Variant type: single nucleotide variant.
Coding change: c.3604G>T on transcript NM_147127.5 (MANE Select); coding-DNA position 3604, G replaced by T.
Protein change: p.Asp1202Tyr; replaces aspartic acid 1202 with tyrosine.
Molecular consequence: missense variant.
Genome position (GRCh38, 1-based): chr4:5,565,313, C>A on the plus strand (G>T on the coding strand, the complement: EVC2 is on the minus strand). VCF-style: chr4-5565313-C-A. GRCh37 (hg19) VCF-style: chr4-5567040-C-A.
Other names: c.3364G>T, p.Asp1122Tyr (NM_001166136.2); short protein forms D1122Y, D1202Y.
Identifiers: ClinVar variation 1351388 (VCV001351388.7), dbSNP rs752599166, ClinGen allele CA356148092.